The following is an entry in ClinVar:

ClinVar aggregate classification (germline): Uncertain significance (1 of 4 stars; one submission).

gnomAD v4.1: 1 of 1,614,184 alleles (0.000062%); highest among the groups gnomAD compares: Non-Finnish European, 0.000085%; no homozygotes.

Submission:

Labcorp Genetics (formerly Invitae), Labcorp
Classification: Uncertain significance. Last evaluated: 2024-04-01. Review status: criteria provided, single submitter. Criteria: Invitae Variant Classification Sherloc (09022015). Collection method: clinical testing. Allele origin: germline.
Comment: This sequence change replaces isoleucine, which is neutral and non-polar, with valine, which is neutral and non-polar, at codon 4002 of the FAT2 protein (p.Ile4002Val). This variant is not present in population databases (gnomAD no frequency). This variant has not been reported in the literature in individuals affected with FAT2-related conditions. Algorithms developed to predict the effect of missense changes on protein structure and function output the following: SIFT: "Not Available"; PolyPhen-2: "Benign"; Align-GVGD: "Not Available". The valine amino acid residue is found in multiple mammalian species, which suggests that this missense change does not adversely affect protein function. In summary, the available evidence is currently insufficient to determine the role of this variant in disease. Therefore, it has been classified as a Variant of Uncertain Significance.

NM_001447.3(FAT2):c.12004A>G (p.Ile4002Val)

Genes: FAT2 (FAT atypical cadherin 2; minus strand), SLC36A1 (solute carrier family 36 member 1; plus strand). Cytogenetic location: 5q33.1.
Variant type: single nucleotide variant.
Coding change: c.12004A>G on transcript NM_001447.3 (MANE Select); coding-DNA position 12004, A replaced by G.
Protein change: p.Ile4002Val; replaces isoleucine 4002 with valine.
Molecular consequence: missense variant.
Genome position (GRCh38, 1-based): chr5:151,510,076, T>C on the plus strand (A>G on the coding strand, the complement: FAT2 is on the minus strand). VCF-style: chr5-151510076-T-C. GRCh37 (hg19) VCF-style: chr5-150889637-T-C.
Other names: short protein forms I4002V.
Identifiers: ClinVar variation 3645470 (VCV003645470.2).